The following is an entry in ClinVar:

NM_007294.4(BRCA1):c.4935G>A (p.Arg1645=)

Gene: BRCA1 (BRCA1 DNA repair associated; minus strand). Cytogenetic location: 17q21.31.
Variant type: single nucleotide variant.
Coding change: c.4935G>A on transcript NM_007294.4 (MANE Select); coding-DNA position 4935, G replaced by A.
Protein change: p.Arg1645=; no amino-acid change (arginine 1645 retained).
Molecular consequence: synonymous variant. On other transcripts: intron variant (1).
Genome position (GRCh38, 1-based): chr17:43,070,979, C>T on the plus strand (G>A on the coding strand, the complement: BRCA1 is on the minus strand). VCF-style: chr17-43070979-C-T. GRCh37 (hg19) VCF-style: chr17-41222996-C-T.
Other names: c.4932G>A, p.Arg1644= (NM_001407618.1, NM_001407619.1, NM_001407620.1 and 17 more transcripts); c.4929G>A, p.Arg1643= (NM_001407627.1, NM_001407628.1, NM_001407629.1 and 14 more transcripts); c.4926G>A, p.Arg1642= (NM_001407644.1, NM_001407645.1); c.4923G>A, p.Arg1641= (NM_001407646.1); c.4920G>A, p.Arg1640= (NM_001407647.1); c.4878G>A, p.Arg1626= (NM_001407648.1); c.4875G>A, p.Arg1625= (NM_001407649.1); c.4935G>A, p.Arg1645= (NM_001407652.1, NM_001407684.1, NM_001407854.1 and 8 more transcripts); and 71 more.
Identifiers: ClinVar variation 868857 (VCV000868857.5), dbSNP rs80357373, ClinGen allele CA500231627.

ClinVar aggregate classification (germline): Likely benign (1 of 4 stars; one submission).

Conditions:
Hereditary cancer-predisposing syndrome. Also called: Neoplastic Syndromes, Hereditary; Tumor predisposition; Hereditary Cancer Syndrome; Hereditary neoplastic syndrome. Identifiers: Orphanet 140162, MedGen C0027672, MeSH D009386, MONDO:0015356.

Submissions (2):

Color Diagnostics, LLC DBA Color Health
Classification: Likely benign for Hereditary cancer-predisposing syndrome. Last evaluated: 2022-04-05. Review status: criteria provided, single submitter. Criteria: ACMG Guidelines, 2015. Collection method: clinical testing. Allele origin: germline.

Brotman Baty Institute, University of Washington
No classification provided (evidence only). Condition: Breast-ovarian cancer, familial 1. Review status: no classification provided. Collection method: in vitro. Allele origin: not applicable. Functional consequence: functionally_normal. Not counted in ClinVar's aggregate classification.
ClinVar note: "not provided" was previously submitted as the classification for the variant. However, the classification appeared to be based only on an observation of functional data so it was converted to no classification on 2025-07-30.